The following is an entry in ClinVar:

ClinVar aggregate classification (germline): Uncertain significance (1 of 4 stars; one submission).

Submission:

GeneDx
Classification: Uncertain significance. Last evaluated: 2026-02-10. Review status: criteria provided, single submitter. Criteria: GeneDx Variant Classification Process June 2021. Collection method: clinical testing. Allele origin: germline.
Comment: Not observed at significant frequency in large population cohorts (gnomAD); Frameshift variant predicted to result in protein truncation or nonsense mediated decay in a gene or region of a gene for which loss of function is not a well-established mechanism of disease; Has not been previously published as pathogenic or benign to our knowledge

NM_001394062.1(MACF1):c.2990del (p.Gln997fs)

Gene: MACF1 (microtubule actin crosslinking factor 1; plus strand). Cytogenetic location: 1p34.3.
Variant type: Deletion.
Coding change: c.2990del on transcript NM_001394062.1 (MANE Select); coding-DNA position 2990, one base deleted (A; older notation c.2990delA).
Protein change: p.Gln997fs; shifts the reading frame from glutamine 997.
Molecular consequence: frameshift variant.
Genome position (GRCh38, 1-based): chr1:39,310,318, A deleted. VCF-style (leftmost placement, unchanged base first): chr1-39310317-CA-C. GRCh37 (hg19) VCF-style: chr1-39775989-CA-C.
Other names: c.3005del, p.Gln1002fs (NM_012090.5); short protein forms Q1002fs, Q997fs.
Identifiers: ClinVar variation 4976339 (VCV004976339.1).